The following is an entry in ClinVar:

ClinVar aggregate classification (germline): Benign (1 of 4 stars; one submission).

Conditions:
Fibrous dysplasia of jaw (CRBM). Also called: Cherubism. Identifiers: Orphanet 184, MedGen C0008029, MONDO:0007315, OMIM 118400.

Allele frequency attached by ClinVar (database versions not stated): 1000 Genomes Project 0.00120; 1000 Genomes Project 30x 0.00125; TOPMed 0.00244; gnomAD 0.00524 and 0.00536; gnomAD exomes 0.01299.
gnomAD v4.1: 791 of 152,546 alleles (0.52%); highest among the groups gnomAD compares: Non-Finnish European, 0.55%; 10 homozygotes.

Submission:

Illumina Laboratory Services, Illumina
Classification: Benign for Fibrous dysplasia of jaw. Last evaluated: 2018-01-13. Review status: criteria provided, single submitter. Criteria: ICSL Variant Classification Criteria 13 December 2019. Collection method: clinical testing. Allele origin: germline.
Comment: This variant was observed in the ICSL laboratory as part of a predisposition screen in an ostensibly healthy population. It had not been previously curated by ICSL or reported in the Human Gene Mutation Database (HGMD: prior to June 1st, 2018), and was therefore a candidate for classification through an automated scoring system. Utilizing variant allele frequency, disease prevalence and penetrance estimates, and inheritance mode, an automated score was calculated to assess if this variant is too frequent to cause the disease. Based on the score and internal cut-off values, a variant classified as benign is not then subjected to further curation. The score for this variant resulted in a classification of benign for this disease.

NM_001122681.2(SH3BP2):c.*736C>T

Gene: SH3BP2 (SH3 domain binding protein 2; plus strand). Cytogenetic location: 4p16.3.
Variant type: single nucleotide variant.
Coding change: c.*736C>T on transcript NM_001122681.2 (MANE Select); 736 bases downstream of the stop codon, C replaced by T.
Molecular consequence: 3 prime UTR variant.
Genome position (GRCh38, 1-based): chr4:2,834,570, C>T. VCF-style: chr4-2834570-C-T. GRCh37 (hg19) VCF-style: chr4-2836297-C-T.
Other names: c.*736C>T (LRG_1334t2, LRG_1334t1, NM_001145855.2 and 2 more transcripts).
Identifiers: ClinVar variation 348606 (VCV000348606.5), dbSNP rs79382439, ClinGen allele CA10618589.
Genomic context (GRCh38, chr4:2,834,570, plus strand): 5'-ACCAGTTCTGCTGCCTCAGGTCAGGCCAGGGCAGTGCTGCTGCAGAGCTAGAAGGCCCTG[C>T]AGCTACAGCTGCTTCATTCCCTGCATTAGTGCCTGGTTACTGGGTACCTCCTGAGTGGCT-3'